The following is an entry in ClinVar:

ClinVar aggregate classification (germline): Uncertain significance (1 of 4 stars; one submission).

Conditions:
Atypical glycine encephalopathy. Also called: Glycine encephalopathy with normal serum glycine. Identifiers: Orphanet 289863, MedGen C4310943, MONDO:0015010, OMIM 617301.

Submission:

Labcorp Genetics (formerly Invitae), Labcorp
Classification: Uncertain significance for Atypical glycine encephalopathy. Last evaluated: 2025-12-22. Review status: criteria provided, single submitter. Criteria: Invitae Variant Classification Sherloc (09022015). Collection method: clinical testing. Allele origin: germline.
Comment: This sequence change replaces asparagine, which is neutral and polar, with serine, which is neutral and polar, at codon 237 of the SLC6A9 protein (p.Asn237Ser). This variant is not present in population databases (gnomAD no frequency). This variant has not been reported in the literature in individuals affected with SLC6A9-related conditions. An algorithm developed to predict the effect of missense changes on protein structure and function (PolyPhen-2) suggests that this variant is likely to be tolerated. In summary, the available evidence is currently insufficient to determine the role of this variant in disease. Therefore, it has been classified as a Variant of Uncertain Significance.

NM_001024845.3(SLC6A9):c.491A>G (p.Asn164Ser)

Gene: SLC6A9 (solute carrier family 6 member 9; minus strand). Cytogenetic location: 1p34.1.
Variant type: single nucleotide variant.
Coding change: c.491A>G on transcript NM_001024845.3 (MANE Select); coding-DNA position 491, A replaced by G.
Protein change: p.Asn164Ser; replaces asparagine 164 with serine.
Molecular consequence: missense variant. On other transcripts: non-coding transcript variant (1).
Genome position (GRCh38, 1-based): chr1:44,008,452, T>C on the plus strand (A>G on the coding strand, the complement: SLC6A9 is on the minus strand). VCF-style: chr1-44008452-T-C. GRCh37 (hg19) VCF-style: chr1-44474124-T-C.
Other names: c.503A>G, p.Asn168Ser (NM_001261380.2); c.158A>G, p.Asn53Ser (NM_001328626.2, NM_001328630.2); c.428A>G, p.Asn143Ser (NM_001328627.1); c.296A>G, p.Asn99Ser (NM_001328628.1); c.491A>G, p.Asn164Ser (NM_001328629.1); c.548A>G, p.Asn183Ser (NM_006934.4); c.710A>G, p.Asn237Ser (NM_201649.4); short protein forms N183S, N99S, N143S, N164S, N237S, N53S, N168S.
Identifiers: ClinVar variation 4776611 (VCV004776611.1).